The following is an entry in ClinVar:

NM_000535.7(PMS2):c.2135del (p.Leu712fs)

Gene: PMS2 (PMS1 homolog 2, mismatch repair system component; minus strand). Cytogenetic location: 7p22.1.
Variant type: Deletion.
Coding change: c.2135del on transcript NM_000535.7 (MANE Select); coding-DNA position 2135, one base deleted (T; older notation c.2135delT).
Protein change: p.Leu712fs; shifts the reading frame from leucine 712.
Molecular consequence: frameshift variant. On other transcripts: non-coding transcript variant (1).
Genome position (GRCh38, 1-based): chr7:5,982,863, A deleted on the plus strand (T on the coding strand, the reverse complement: PMS2 is on the minus strand). VCF-style (leftmost placement, unchanged base first): chr7-5982862-CA-C. GRCh37 (hg19) VCF-style: chr7-6022493-CA-C.
Other names: c.1979del, p.Leu660fs (NM_001322006.2); c.1817del, p.Leu606fs (NM_001322007.2, NM_001322008.2); c.1730del, p.Leu577fs (NM_001322009.2, NM_001322003.2, NM_001322004.2 and 1 more transcripts); c.1574del, p.Leu525fs (NM_001322010.2); c.1202del, p.Leu401fs (NM_001322011.2, NM_001322012.2); c.1562del, p.Leu521fs (NM_001322013.2); c.2135del, p.Leu712fs (NM_001322014.2); c.1826del, p.Leu609fs (NM_001322015.2); and 20 more; short protein forms L521fs, L660fs, L401fs, L577fs, L609fs, L606fs, L712fs, L525fs.
Identifiers: ClinVar variation 1786466 (VCV001786466.2), dbSNP rs2535534097, ClinGen allele CA2580076757.

ClinVar aggregate classification (germline): Pathogenic (1 of 4 stars; one submission).

Conditions:
Hereditary cancer-predisposing syndrome. Also called: Neoplastic Syndromes, Hereditary; Tumor predisposition; Hereditary Cancer Syndrome; Hereditary neoplastic syndrome. Identifiers: Orphanet 140162, MedGen C0027672, MeSH D009386, MONDO:0015356.

Submission:

Ambry Genetics
Classification: Pathogenic for Hereditary cancer-predisposing syndrome. Last evaluated: 2018-01-18. Review status: criteria provided, single submitter. Criteria: Ambry Variant Classification Scheme 2023. Collection method: clinical testing. Allele origin: germline.
Comment: The c.2135delT pathogenic mutation, located in coding exon 12 of the PMS2 gene, results from a deletion of one nucleotide at nucleotide position 2135, causing a translational frameshift with a predicted alternate stop codon (p.L712Rfs*13). This alteration is expected to result in loss of function by premature protein truncation or nonsense-mediated mRNA decay. As such, this alteration is interpreted as a disease-causing mutation.